The following is an entry in ClinVar:

NM_001388492.1(HTT):c.5377C>T (p.Arg1793Trp)

Gene: HTT (huntingtin; plus strand). Cytogenetic location: 4p16.3.
Variant type: single nucleotide variant.
Coding change: c.5377C>T on transcript NM_001388492.1 (MANE Select); coding-DNA position 5377, C replaced by T.
Protein change: p.Arg1793Trp; replaces arginine 1793 with tryptophan.
Molecular consequence: missense variant.
Genome position (GRCh38, 1-based): chr4:3,199,740, C>T. VCF-style: chr4-3199740-C-T. GRCh37 (hg19) VCF-style: chr4-3201467-C-T.
Other names: c.5383C>T, p.Arg1795Trp (NM_002111.8); short protein forms R1793W, R1795W.
Identifiers: ClinVar variation 1480301 (VCV001480301.6), dbSNP rs1196905887, ClinGen allele CA356076874.

ClinVar aggregate classification (germline): Uncertain significance (1 of 4 stars; one submission).

Allele frequency attached by ClinVar (database versions not stated): TOPMed below 0.00001; gnomAD 0.00001.
gnomAD v4.1: 8 of 1,613,628 alleles (0.0005%); highest among the groups gnomAD compares: Admixed American, 0.0017%; no homozygotes.

Submission:

Labcorp Genetics (formerly Invitae), Labcorp
Classification: Uncertain significance. Last evaluated: 2021-02-14. Review status: criteria provided, single submitter. Criteria: Invitae Variant Classification Sherloc (09022015). Collection method: clinical testing. Allele origin: germline.
Comment: In summary, the available evidence is currently insufficient to determine the role of this variant in disease. Therefore, it has been classified as a Variant of Uncertain Significance. Experimental studies and prediction algorithms are not available or were not evaluated, and the functional significance of this variant is currently unknown. This variant has not been reported in the literature in individuals with HTT-related conditions. This variant is not present in population databases (ExAC no frequency). This sequence change replaces arginine with tryptophan at codon 1795 of the HTT protein (p.Arg1795Trp). The arginine residue is highly conserved and there is a moderate physicochemical difference between arginine and tryptophan.